The following is an entry in ClinVar:

ClinVar aggregate classification (germline): Likely pathogenic. Review status: criteria provided, single submitter (1 of 4 stars). 2 submissions from 2 submitters: Likely pathogenic (1). 1 of the submissions does not count toward it.

Conditions:
Autosomal recessive nonsyndromic hearing loss 9. Also called: AUDITORY NEUROPATHY, AUTOSOMAL RECESSIVE, 1, TEMPERATURE-SENSITIVE; Deafness, autosomal recessive 9; NEUROSENSORY NONSYNDROMIC RECESSIVE DEAFNESS 9; OTOF-Related Hearing Loss. Identifiers: Orphanet 90636, MedGen C1832828, MONDO:0010986, OMIM 601071.
Bilateral sensorineural hearing impairment. Also called: Bilateral sensorineural hearing loss. Identifiers: MedGen C0452138, HP:0008619.

Submissions (2):

Laboratory of Human Genetics, Institute of Biosciences - University of Sao Paulo
Classification: Likely pathogenic for Bilateral sensorineural hearing impairment. Review status: criteria provided, single submitter. Criteria: ClinGen HL ACMG Specifications v1. Collection method: research. Allele origin: germline. Affected: yes. Observed: 1 compound heterozygote. Segregation with disease observed.

GeneReviews
No classification provided. Condition: Autosomal recessive nonsyndromic hearing loss 9. Review status: no classification provided. Collection method: literature only. Allele origin: unknown. Not counted in ClinVar's aggregate classification.

Literature cited by the submitters: PubMed 34652575 (cited by Laboratory of Human Genetics, Institute of Biosciences - University of Sao Paulo); PubMed 19461658 (cited by Laboratory of Human Genetics, Institute of Biosciences - University of Sao Paulo and GeneReviews); PubMed 20301429 (cited by GeneReviews); NCBI Bookshelf NBK1251 (cited by GeneReviews).

NM_194248.3(OTOF):c.1841G>A (p.Gly614Glu)

Gene: OTOF (otoferlin; minus strand). Cytogenetic location: 2p23.3.
Variant type: single nucleotide variant.
Coding change: c.1841G>A on transcript NM_194248.3 (MANE Select); coding-DNA position 1841, G replaced by A.
Protein change: p.Gly614Glu; replaces glycine 614 with glutamic acid.
Molecular consequence: missense variant.
Genome position (GRCh38, 1-based): chr2:26,480,274, C>T on the plus strand (G>A on the coding strand, the complement: OTOF is on the minus strand). VCF-style: chr2-26480274-C-T. GRCh37 (hg19) VCF-style: chr2-26703142-C-T.
Other names: c.1841G>A, p.Gly614Glu (NM_001287489.2); short protein forms G614E.
Identifiers: ClinVar variation 65784 (VCV000065784.5), dbSNP rs397515589, ClinGen allele CA345098.